The following is an entry in ClinVar:

NM_005654.6(NR2F1):c.778T>G (p.Phe260Val)

Gene: NR2F1 (nuclear receptor subfamily 2 group F member 1; plus strand). Cytogenetic location: 5q15.
Variant type: single nucleotide variant.
Coding change: c.778T>G on transcript NM_005654.6 (MANE Select); coding-DNA position 778, T replaced by G.
Protein change: p.Phe260Val; replaces phenylalanine 260 with valine.
Molecular consequence: missense variant.
Genome position (GRCh38, 1-based): chr5:93,588,231, T>G. VCF-style: chr5-93588231-T-G. GRCh37 (hg19) VCF-style: chr5-92923937-T-G.
Other names: c.328T>G, p.Phe110Val (NM_001410754.1); short protein forms F110V, F260V.
Identifiers: ClinVar variation 4875014 (VCV004875014.2).
Genomic context (GRCh38, chr5:93,588,231, plus strand): 5'-TTCCCGGATCTGCAGATCACCGACCAGGTGTCCCTGCTACGCCTCACCTGGAGCGAGCTG[T>G]TCGTGCTCAACGCGGCCCAGTGCTCTATGCCGCTGCACGTGGCGCCGTTGCTGGCCGCCG-3'
Protein context (NP_005645.1, residues 250-270): SLLRLTWSEL[Phe260Val]VLNAAQCSMP

ClinVar aggregate classification (germline): Uncertain significance (1 of 4 stars; one submission).

Submission:

CeGaT Center for Human Genetics Tuebingen
Classification: Uncertain significance. Last evaluated: 2026-05-01. Review status: criteria provided, single submitter. Criteria: CeGaT Center For Human Genetics Tuebingen Variant Classification Criteria Version 2. Collection method: clinical testing. Allele origin: germline. Affected: yes. Observed: 1 variant allele.
Comment: NR2F1: PM2, PM1:Supporting, PP2